The following is an entry in ClinVar:

ClinVar aggregate classification (germline): Uncertain significance (0 of 4 stars; one submission).

Conditions:
Wolff-Parkinson-White pattern. Also called: WPW SYNDROME; Auriculoventricular accessory pathway syndrome; False bundle branch block syndrome; Anomalous ventricular excitation syndrome. Identifiers: MedGen C0043202, MONDO:0008685, OMIM 194200, HP:0001716.

Submission:

Lupski Lab, Baylor-Hopkins CMG, Baylor College of Medicine
Classification: Uncertain significance for Wolff-Parkinson-White pattern. Last evaluated: 2017-07-14. Review status: no assertion criteria provided. Collection method: research. Allele origin: de novo. Affected: yes. Observed: 1 variant allele. Study: Candidate_variants_in_patients_with_ Wolff-Parkinson-White Syndrome.

NM_001148.6(ANK2):c.11692A>G (p.Lys3898Glu)

Gene: ANK2 (ankyrin 2; plus strand). Cytogenetic location: 4q26.
Variant type: single nucleotide variant.
Coding change: c.11692A>G on transcript NM_001148.6 (MANE Select); coding-DNA position 11692, A replaced by G.
Protein change: p.Lys3898Glu; replaces lysine 3898 with glutamic acid.
Molecular consequence: missense variant. On other transcripts: intron variant (1).
Genome position (GRCh38, 1-based): chr4:113,373,171, A>G. VCF-style: chr4-113373171-A-G. GRCh37 (hg19) VCF-style: chr4-114294327-A-G.
Other names: c.5410A>G, p.Lys1804Glu (NM_001127493.3); c.5449A>G, p.Lys1817Glu (NM_001354225.2); c.5431A>G, p.Lys1811Glu (NM_001354228.2); c.5416A>G, p.Lys1806Glu (NM_001354230.2); c.5572A>G, p.Lys1858Glu (NM_001354231.2); c.5566A>G, p.Lys1856Glu (NM_001354232.2); c.5527A>G, p.Lys1843Glu (NM_001354235.2); c.5335A>G, p.Lys1779Glu (NM_001354236.2); and 44 more; short protein forms K1804E, K1813E, K3898E, K1742E, K1747E, K1758E, K1759E, K1792E.
Identifiers: ClinVar variation 487587 (VCV000487587.1), dbSNP rs1554597130, ClinGen allele CA357943494.